The following is an entry in ClinVar:

ClinVar aggregate classification (germline): Uncertain significance (1 of 4 stars; one submission).

Conditions:
IL2RG-related disorder. Also called: IL2RG-related condition.

Submission:

PreventionGenetics, part of Exact Sciences
Classification: Uncertain significance for IL2RG-related condition. Last evaluated: 2025-09-07. Review status: criteria provided, single submitter. Criteria: ACMG Guidelines, 2015. Collection method: clinical testing. Allele origin: germline.
Comment: The IL2RG c.20C>T variant is predicted to result in the amino acid substitution p.Pro7Leu. To our knowledge, this variant has not been reported in the literature or in a large population database (gnomAD), indicating this variant is rare. At this time, the clinical significance of this variant is uncertain due to the absence of conclusive functional and genetic evidence.

NM_000206.3(IL2RG):c.20C>T (p.Pro7Leu)

Genes: IL2RG (interleukin 2 receptor subunit gamma; minus strand), LOC126863274 (MED14-independent group 3 enhancer GRCh37_chrX:70330888-70332087; plus strand). Cytogenetic location: Xq13.1.
Variant type: single nucleotide variant.
Coding change: c.20C>T on transcript NM_000206.3 (MANE Select); coding-DNA position 20, C replaced by T.
Protein change: p.Pro7Leu; replaces proline 7 with leucine.
Molecular consequence: missense variant.
Genome position (GRCh38, 1-based): chrX:71,111,520, G>A on the plus strand (C>T on the coding strand, the complement: IL2RG is on the minus strand). VCF-style: chrX-71111520-G-A. GRCh37 (hg19) VCF-style: chrX-70331370-G-A.
Other names: c.20C>T, p.Pro7Leu (NM_001438870.1); short protein forms P7L.
Identifiers: ClinVar variation 4994706 (VCV004994706.1).